The following is an entry in ClinVar:

NM_004446.3(EPRS1):c.2267G>A (p.Arg756Lys)

Gene: EPRS1 (glutamyl-prolyl-tRNA synthetase 1; minus strand). Cytogenetic location: 1q41.
Variant type: single nucleotide variant.
Coding change: c.2267G>A on transcript NM_004446.3 (MANE Select); coding-DNA position 2267, G replaced by A.
Protein change: p.Arg756Lys; replaces arginine 756 with lysine.
Molecular consequence: missense variant.
Genome position (GRCh38, 1-based): chr1:219,997,257, C>T on the plus strand (G>A on the coding strand, the complement: EPRS1 is on the minus strand). VCF-style: chr1-219997257-C-T. GRCh37 (hg19) VCF-style: chr1-220170599-C-T.
Other names: short protein forms R756K.
Identifiers: ClinVar variation 3680921 (VCV003680921.2).

ClinVar aggregate classification (germline): Uncertain significance (1 of 4 stars; one submission).

gnomAD v4.1: 1 of 1,613,900 alleles (0.000062%); highest among the groups gnomAD compares: Non-Finnish European, 0.000085%; no homozygotes.

Submission:

Labcorp Genetics (formerly Invitae), Labcorp
Classification: Uncertain significance. Last evaluated: 2024-09-09. Review status: criteria provided, single submitter. Criteria: Invitae Variant Classification Sherloc (09022015). Collection method: clinical testing. Allele origin: germline.
Comment: This sequence change replaces arginine, which is basic and polar, with lysine, which is basic and polar, at codon 756 of the EPRS protein (p.Arg756Lys). This variant is not present in population databases (gnomAD no frequency). This variant has not been reported in the literature in individuals affected with EPRS-related conditions. An algorithm developed to predict the effect of missense changes on protein structure and function outputs the following: PolyPhen-2: "Benign". The lysine amino acid residue is found in multiple mammalian species, which suggests that this missense change does not adversely affect protein function. In summary, the available evidence is currently insufficient to determine the role of this variant in disease. Therefore, it has been classified as a Variant of Uncertain Significance.